The following is an entry in ClinVar:

NM_000257.4(MYH7):c.1987C>A (p.Arg663Ser)

Gene: MYH7 (myosin heavy chain 7; minus strand). Cytogenetic location: 14q11.2.
Variant type: single nucleotide variant.
Coding change: c.1987C>A on transcript NM_000257.4 (MANE Select); coding-DNA position 1987, C replaced by A.
Protein change: p.Arg663Ser; replaces arginine 663 with serine.
Molecular consequence: missense variant.
Genome position (GRCh38, 1-based): chr14:23,426,834, G>T on the plus strand (C>A on the coding strand, the complement: MYH7 is on the minus strand). VCF-style: chr14-23426834-G-T. GRCh37 (hg19) VCF-style: chr14-23896043-G-T.
Other names: c.1987C>A (NM_000257.2); short protein forms R663S.
Identifiers: ClinVar variation 930519 (VCV000930519.20), dbSNP rs397516127, ClinGen allele CA389049378.

ClinVar aggregate classification (germline): Pathogenic/Likely pathogenic. Review status: criteria provided, multiple submitters, no conflicts (2 of 4 stars). 5 submissions from 5 submitters: Pathogenic (1); Likely pathogenic (4). Last evaluated 2025-02-05.

Conditions:
Hypertrophic cardiomyopathy 1 (CMH1). Also called: MYH7-Related Familial Hypertrophic Cardiomyopathy; Familial hypertrophic cardiomyopathy 1. Identifiers: MedGen C3495498, MONDO:0008647, OMIM 192600.
Congenital myopathy with fiber type disproportion. Also called: Congenital fiber-type disproportion; Congenital fiber-type disproportion myopathy. Identifiers: Orphanet 2020, MedGen C0546264, MONDO:0009711. Inheritance: all.
Hypertrophic cardiomyopathy. Also called: HYPERTROPHIC MYOCARDIOPATHY. Identifiers: Orphanet 217569, MedGen C0007194, MeSH D002312, MONDO:0005045, HP:0001639.
Cardiovascular phenotype. Identifiers: MedGen CN230736.

Submissions (5):

3billion
Classification: Pathogenic for Hypertrophic cardiomyopathy 1. Last evaluated: 2025-02-05. Review status: criteria provided, single submitter. Criteria: ACMG Guidelines, 2015. Collection method: clinical testing. Allele origin: germline. Affected: yes.
Comment: The variant is not observed in the gnomAD v4.1.0 dataset. Predicted Consequence/Location: The variant is located in a mutational hot spot and/or well-established functional domain in which established pathogenic variants have been reported (PMID: 29300372). In silico tool predictions suggest damaging effect of the variant on gene or gene product [REVEL: 0.68 (>=0.6, sensitivity 0.68 and specificity 0.92); 3Cnet: 1.00 (>=0.6, sensitivity 0.72 and precision 0.9)]. The same nucleotide change resulting in the same amino acid change has been previously reported as pathogenic/likely pathogenic with strong evidence (ClinVar ID: VCV000930519 /PMID: 12707239). Different missense changes at the same codon (p.Arg663Cys, p.Arg663His) have been reported as pathogenic/likely pathogenic with strong evidence (ClinVar ID: VCV000042874, VCV000042875 /PMID: 10750581, 15358028 /3billion dataset). Therefore, this variant is classified as Pathogenic according to the recommendation of ACMG/AMP guideline.

Ambry Genetics
Classification: Likely pathogenic for Cardiovascular phenotype. Last evaluated: 2024-04-15. Review status: criteria provided, single submitter. Criteria: Ambry Variant Classification Scheme 2023. Collection method: clinical testing. Allele origin: germline.
Comment: The p.R663S variant (also known as c.1987C>A), located in coding exon 16 of the MYH7 gene, results from a C to A substitution at nucleotide position 1987. The arginine at codon 663 is replaced by serine, an amino acid with dissimilar properties. This alteration has been reported in a hypertrophic cardiomyopathy cohort; however, clinical details were limited (Richard P et al. Circulation, 2003 May;107:2227-32). Other alterations affecting the same amino acid, p.R663C (c.1987C>T) and p.R663H (c.1988G>A), have also been reported in association with HCM and may reflect a mutation hotspot at this position (Gruver EJ et al. Am. J. Cardiol., 1999 Jun;83:13H-18H; Van Driest SL et al. J. Am. Coll. Cardiol., 2004 Aug;44:602-10; Walsh R et al. Genet. Med., 2017 Feb;19:192-203). This amino acid position is highly conserved in available vertebrate species. In addition, this alteration is predicted to be deleterious by in silico analysis. This variant is considered to be rare based on population cohorts in the Genome Aggregation Database (gnomAD). Based on the majority of available evidence to date, this variant is likely to be pathogenic.

GeneDx
Classification: Likely pathogenic. Last evaluated: 2022-12-08. Review status: criteria provided, single submitter. Criteria: GeneDx Variant Classification Process June 2021. Collection method: clinical testing. Allele origin: germline. Affected: yes.
Comment: Identified in patients with HCM in published literature (Richard et al., 2003; van Lint et al., 2019); at least one patient harbored additional cardiogenetic variants; Not observed at significant frequency in large population cohorts (gnomAD); In silico analysis supports that this missense variant has a deleterious effect on protein structure/function; This variant is associated with the following publications: (PMID: 27532257, 29300372, 30847666, 12707239)

Labcorp Genetics (formerly Invitae), Labcorp
Classification: Likely pathogenic for Hypertrophic cardiomyopathy. Last evaluated: 2022-11-29. Review status: criteria provided, single submitter. Criteria: Invitae Variant Classification Sherloc (09022015). Collection method: clinical testing. Allele origin: germline.
Comment: In summary, the currently available evidence indicates that the variant is pathogenic, but additional data are needed to prove that conclusively. Therefore, this variant has been classified as Likely Pathogenic. This variant disrupts the p.Arg663 amino acid residue in MYH7. Other variant(s) that disrupt this residue have been determined to be pathogenic (PMID: 15358028, 15563892, 15858117, 18383048). This suggests that this residue is clinically significant, and that variants that disrupt this residue are likely to be disease-causing. This missense change has been observed in individual(s) with hypertrophic cardiomyopathy (PMID: 12707239, 30847666). ClinVar contains an entry for this variant (Variation ID: 930519). Advanced modeling of protein sequence and biophysical properties (such as structural, functional, and spatial information, amino acid conservation, physicochemical variation, residue mobility, and thermodynamic stability) performed at Invitae indicates that this missense variant is expected to disrupt MYH7 protein function. This sequence change replaces arginine, which is basic and polar, with serine, which is neutral and polar, at codon 663 of the MYH7 protein (p.Arg663Ser). This variant is not present in population databases (gnomAD no frequency).

Centre for Mendelian Genomics, University Medical Centre Ljubljana
Classification: Likely pathogenic for Congenital myopathy 4A, autosomal dominant. Last evaluated: 2019-08-02. Review status: criteria provided, single submitter. Criteria: ACMG Guidelines, 2015. Collection method: clinical testing. Allele origin: unknown. Affected: yes.
Comment: This variant was classified as: Likely pathogenic. The following ACMG criteria were applied in classifying this variant: PM1,PM2,PM5,PP2,PP3,PP4,PP5.

Literature cited by the submitters: PubMed 10750581 (cited by 3billion and Ambry Genetics); PubMed 12707239 (cited by 3 submitters); PubMed 15358028 (cited by Ambry Genetics and Labcorp Genetics (formerly Invitae), Labcorp); PubMed 15563892 (cited by Ambry Genetics and Labcorp Genetics (formerly Invitae), Labcorp); PubMed 27532257 (cited by Ambry Genetics); PubMed 30847666 (cited by Ambry Genetics and Labcorp Genetics (formerly Invitae), Labcorp); PubMed 15858117 (cited by Labcorp Genetics (formerly Invitae), Labcorp); PubMed 18383048 (cited by Labcorp Genetics (formerly Invitae), Labcorp).